The following is an entry in ClinVar:

NM_000440.3(PDE6A):c.341A>G (p.Asn114Ser)

Gene: PDE6A (phosphodiesterase 6A; minus strand). Cytogenetic location: 5q32.
Variant type: single nucleotide variant.
Coding change: c.341A>G on transcript NM_000440.3 (MANE Select); coding-DNA position 341, A replaced by G.
Protein change: p.Asn114Ser; replaces asparagine 114 with serine.
Molecular consequence: missense variant.
Genome position (GRCh38, 1-based): chr5:149,944,333, T>C on the plus strand (A>G on the coding strand, the complement: PDE6A is on the minus strand). VCF-style: chr5-149944333-T-C. GRCh37 (hg19) VCF-style: chr5-149323896-T-C.
Other names: short protein forms N114S.
Identifiers: ClinVar variation 1512282 (VCV001512282.8), dbSNP rs762149775, ClinGen allele CA3505073.
Genomic context (GRCh38, chr5:149,944,333, plus strand): 5'-AAGACGATCTCTTGGTCGGGCATCACCAGGCAGTCCTCGAGGACAGCATCCTTGTGGACA[T>C]TGAAAAGCCTGGTGGCCAGCTCTGCGATGCCATTGCGGGTCCGGTACATGAACAGGCTCA-3'
Protein context (NP_000431.2, residues 104-124): GIAELATRLF[Asn114Ser]VHKDAVLEDC

ClinVar aggregate classification (germline): Uncertain significance (1 of 4 stars; one submission).

Allele frequency attached by ClinVar (database versions not stated): gnomAD exomes below 0.00001 and 0.00001; ExAC 0.00001; gnomAD 0.00001; TOPMed 0.00001.

Submission:

Labcorp Genetics (formerly Invitae), Labcorp
Classification: Uncertain significance. Last evaluated: 2022-10-25. Review status: criteria provided, single submitter. Criteria: Invitae Variant Classification Sherloc (09022015). Collection method: clinical testing. Allele origin: germline.
Comment: In summary, the available evidence is currently insufficient to determine the role of this variant in disease. Therefore, it has been classified as a Variant of Uncertain Significance. Advanced modeling of protein sequence and biophysical properties (such as structural, functional, and spatial information, amino acid conservation, physicochemical variation, residue mobility, and thermodynamic stability) performed at Invitae indicates that this missense variant is not expected to disrupt PDE6A protein function. ClinVar contains an entry for this variant (Variation ID: 1512282). This variant has not been reported in the literature in individuals affected with PDE6A-related conditions. This variant is present in population databases (rs762149775, gnomAD 0.006%). This sequence change replaces asparagine, which is neutral and polar, with serine, which is neutral and polar, at codon 114 of the PDE6A protein (p.Asn114Ser).